The following is an entry in ClinVar:

NM_001276270.2(MBD4):c.1166C>G (p.Thr389Ser)

Gene: MBD4 (methyl-CpG binding domain 4, DNA glycosylase; minus strand). Cytogenetic location: 3q21.3.
Variant type: single nucleotide variant.
Coding change: c.1166C>G on transcript NM_001276270.2 (MANE Select); coding-DNA position 1166, C replaced by G.
Protein change: p.Thr389Ser; replaces threonine 389 with serine.
Molecular consequence: missense variant. On other transcripts: intron variant (1).
Genome position (GRCh38, 1-based): chr3:129,436,478, G>C on the plus strand (C>G on the coding strand, the complement: MBD4 is on the minus strand). VCF-style: chr3-129436478-G-C. GRCh37 (hg19) VCF-style: chr3-129155321-G-C.
Other names: c.247+1330C>G (NM_001276273.2); c.1166C>G, p.Thr389Ser (NM_001276271.2, NM_001276272.2, NM_003925.3); short protein forms T389S.
Identifiers: ClinVar variation 4104643 (VCV004104643.1).

ClinVar aggregate classification (germline): Uncertain significance (1 of 4 stars; one submission).

Conditions:
Inborn genetic diseases. Identifiers: MedGen C0950123, MeSH D030342.

gnomAD v4.1: 2 of 1,614,046 alleles (0.00012%); highest among the groups gnomAD compares: Non-Finnish European, 0.00017%; no homozygotes.

Submission:

Ambry Genetics
Classification: Uncertain significance for Inborn genetic diseases. Last evaluated: 2025-08-10. Review status: criteria provided, single submitter. Criteria: Ambry Variant Classification Scheme 2023. Collection method: clinical testing. Allele origin: germline.
Comment: The p.T389S variant (also known as c.1166C>G), located in coding exon 3 of the MBD4 gene, results from a C to G substitution at nucleotide position 1166. The threonine at codon 389 is replaced by serine, an amino acid with similar properties. This amino acid position is conserved. In addition, this alteration is predicted to be tolerated by in silico analysis. Based on the available evidence, the clinical significance of this variant remains unclear.